The following is an entry in ClinVar:

ClinVar aggregate classification (germline): Pathogenic (1 of 4 stars; one submission).

Submission:

Labcorp Genetics (formerly Invitae), Labcorp
Classification: Pathogenic. Last evaluated: 2020-02-07. Review status: criteria provided, single submitter. Criteria: Invitae Variant Classification Sherloc (09022015). Collection method: clinical testing. Allele origin: germline.
Comment: This sequence change replaces glycine with aspartic acid at codon 406 of the COL4A5 protein (p.Gly406Asp). The glycine residue is highly conserved and there is a moderate physicochemical difference between glycine and aspartic acid. This variant is not present in population databases (ExAC no frequency). This variant has been observed in individual(s) with Alport syndrome (PMID: 19728970, Invitae). For these reasons, this variant has been classified as Pathogenic. Glycine residues within the Gly-Xaa-Yaa repeats of the triple helix domain are required for the structure and stability of fibrillar collagens (PMID: 7695699, 8218237, 19344236). In COL4A5, missense variants at these glycine residues are significantly enriched in individuals with disease (PMID: 23720012, 27627812) compared to the general population (ExAC).

Literature cited by the submitters: PubMed 19728970; PubMed 7695699; PubMed 8218237; PubMed 19344236; PubMed 23720012; PubMed 27627812.

NM_033380.3(COL4A5):c.1217G>A (p.Gly406Asp)

Gene: COL4A5 (collagen type IV alpha 5 chain; plus strand). Cytogenetic location: Xq22.3.
Variant type: single nucleotide variant.
Coding change: c.1217G>A on transcript NM_033380.3 (MANE Select); coding-DNA position 1217, G replaced by A.
Protein change: p.Gly406Asp; replaces glycine 406 with aspartic acid.
Molecular consequence: missense variant.
Genome position (GRCh38, 1-based): chrX:108,591,109, G>A. VCF-style: chrX-108591109-G-A. GRCh37 (hg19) VCF-style: chrX-107834339-G-A.
Other names: c.1217G>A, p.Gly406Asp (NM_000495.5); short protein forms G406D.
Identifiers: ClinVar variation 1075944 (VCV001075944.9), dbSNP rs104886100, ClinGen allele CA413932356.